The following is an entry in ClinVar:

ClinVar aggregate classification (germline): Uncertain significance. Review status: criteria provided, multiple submitters, no conflicts (2 of 4 stars). 3 submissions from 3 submitters: Uncertain significance (3). Last evaluated 2024-06-10.

Conditions:
Wolfram-like syndrome. Also called: HEARING LOSS, PROGRESSIVE, WITH OPTIC ATROPHY AND/OR IMPAIRED GLUCOSE REGULATION. Identifiers: Orphanet 411590, MedGen C3280358, MONDO:0013673, OMIM 614296.
Cataract 41 (CTRCT41). Also called: CATARACT 41, CONGENITAL NUCLEAR TYPE. Identifiers: Orphanet 91492, Orphanet 98991, Orphanet 98992, Orphanet 98995, MedGen C3805412, MONDO:0007287, OMIM 116400.
Autosomal dominant nonsyndromic hearing loss 6 (LFSNHL). Also called: DEAFNESS, AUTOSOMAL DOMINANT 6; DEAFNESS, AUTOSOMAL DOMINANT 14; DEAFNESS, AUTOSOMAL DOMINANT 38; Autosomal dominant nonsyndromic deafness 6. Identifiers: Orphanet 90635, MedGen C1833021, MONDO:0010963, OMIM 600965.
Type 2 diabetes mellitus. Also called: Type II diabetes mellitus. Identifiers: MedGen C0011860, MeSH D003924, MONDO:0005148, OMIM 125853, HP:0005978.
Wolfram syndrome 1 (WFS1). Identifiers: Orphanet 3463, MedGen C4551693, MONDO:0009101, OMIM 222300.

Allele frequency attached by ClinVar (database versions not stated): gnomAD exomes below 0.00001; TOPMed below 0.00001; ExAC 0.00001.
gnomAD v4.1: 6 of 1,612,678 alleles (0.00037%); highest among the groups gnomAD compares: African/African-American, 0.0027%; no homozygotes.

Submissions (3):

Dasa
Classification: Uncertain significance. Last evaluated: 2024-06-10. Review status: criteria provided, single submitter. Criteria: DASA Assertion Criteria. Collection method: clinical testing. Allele origin: germline.
Comment: NM_006005.3(WFS1):c.2546A>G (p.Asn849Ser) is a missense variant that results in the substitution of asparagine with serine. The affected residue or protein region has prior evidence supporting clinical relevance. This variant is rare in population databases. Computational prediction algorithms are consistent with a benign effect. The currently available literature and clinical evidence are not sufficient to establish a definitive association between this variant and the reported condition. Therefore, this variant is classified as a variant of uncertain significance.

Labcorp Genetics (formerly Invitae), Labcorp
Classification: Uncertain significance. Last evaluated: 2022-03-04. Review status: criteria provided, single submitter. Criteria: Invitae Variant Classification Sherloc (09022015). Collection method: clinical testing. Allele origin: germline.
Comment: This sequence change replaces asparagine, which is neutral and polar, with serine, which is neutral and polar, at codon 849 of the WFS1 protein (p.Asn849Ser). This variant is present in population databases (rs778798308, gnomAD 0.006%). This variant has not been reported in the literature in individuals affected with WFS1-related conditions. Advanced modeling of protein sequence and biophysical properties (such as structural, functional, and spatial information, amino acid conservation, physicochemical variation, residue mobility, and thermodynamic stability) performed at Invitae indicates that this missense variant is not expected to disrupt WFS1 protein function. In summary, the available evidence is currently insufficient to determine the role of this variant in disease. Therefore, it has been classified as a Variant of Uncertain Significance.

Juno Genomics, Hangzhou Juno Genomics, Inc
Classification: Uncertain significance for Cataract 41; Autosomal dominant nonsyndromic hearing loss 6; Wolfram syndrome 1; Wolfram-like syndrome; Type 2 diabetes mellitus. Review status: criteria provided, single submitter. Criteria: ACMG Guidelines, 2015. Collection method: clinical testing. Allele origin: germline. Affected: yes.
Comment: Absent from controls (or at extremely low frequency if recessive) in Genome Aggregation Database, Exome Sequencing Project, 1000 Genomes Project, or Exome Aggregation Consortium.

NM_006005.3(WFS1):c.2546A>G (p.Asn849Ser)

Gene: WFS1 (wolframin ER transmembrane glycoprotein; plus strand). Cytogenetic location: 4p16.1.
Variant type: single nucleotide variant.
Coding change: c.2546A>G on transcript NM_006005.3 (MANE Select); coding-DNA position 2546, A replaced by G.
Protein change: p.Asn849Ser; replaces asparagine 849 with serine.
Molecular consequence: missense variant.
Genome position (GRCh38, 1-based): chr4:6,302,341, A>G. VCF-style: chr4-6302341-A-G. GRCh37 (hg19) VCF-style: chr4-6304068-A-G.
Other names: c.2546A>G, p.Asn849Ser (NM_001145853.1); short protein forms N849S.
Identifiers: ClinVar variation 2176709 (VCV002176709.8), dbSNP rs778798308, ClinGen allele CA2839772.